The following is an entry in ClinVar:

ClinVar aggregate classification (germline): Likely pathogenic (1 of 4 stars; one submission).

Submission:

CeGaT Center for Human Genetics Tuebingen
Classification: Likely pathogenic. Last evaluated: 2025-05-01. Review status: criteria provided, single submitter. Criteria: CeGaT Center For Human Genetics Tuebingen Variant Classification Criteria Version 2. Collection method: clinical testing. Allele origin: germline. Affected: yes. Observed: 1 variant allele.
Comment: CTLA4: PVS1:Strong, PM2

NM_005214.5(CTLA4):c.519del (p.Leu174fs)

Gene: CTLA4 (cytotoxic T-lymphocyte associated protein 4; plus strand). Cytogenetic location: 2q33.2.
Variant type: Deletion.
Coding change: c.519del on transcript NM_005214.5 (MANE Select); coding-DNA position 519, one base deleted (G; older notation c.519delG).
Protein change: p.Leu174fs; shifts the reading frame from leucine 174.
Molecular consequence: frameshift variant. On other transcripts: intron variant (1).
Genome position (GRCh38, 1-based): chr2:203,871,439, G deleted; the last of 4 consecutive G bases (chr2:203,871,436-203,871,439); deleting any one gives the same sequence. VCF-style (leftmost placement, unchanged base first): chr2-203871435-CG-C. GRCh37 (hg19) VCF-style: chr2-204736158-CG-C.
Other names: c.457+506del (NM_001037631.3); short protein forms L174fs.
Identifiers: ClinVar variation 3905783 (VCV003905783.10).
Genomic context (GRCh38, chr2:203,871,435, plus strand): 5'-CAGATCCAGAACCGTGCCCAGATTCTGACTTCCTCCTCTGGATCCTTGCAGCAGTTAGTT[CG>C]GGGTTGTTTTTTTATAGCTTTCTCCTCACAGCTGTTTCTTTGAGCAAAATGGTGAGTGTG-3'